The following is an entry in ClinVar:

NM_004360.5(CDH1):c.1387G>T (p.Glu463Ter)

Gene: CDH1 (cadherin 1; plus strand). Cytogenetic location: 16q22.1.
Variant type: single nucleotide variant.
Coding change: c.1387G>T on transcript NM_004360.5 (MANE Select); coding-DNA position 1387, G replaced by T.
Protein change: p.Glu463Ter; replaces glutamic acid 463 with a stop codon.
Molecular consequence: nonsense. On other transcripts: 5 prime UTR variant (2).
Genome position (GRCh38, 1-based): chr16:68,815,581, G>T. VCF-style: chr16-68815581-G-T. GRCh37 (hg19) VCF-style: chr16-68849484-G-T.
Other names: c.1204G>T, p.Glu402Ter (NM_001317184.2); c.-162G>T (NM_001317185.2); c.-433G>T (NM_001317186.2); short protein forms E463*, E402*.
Identifiers: ClinVar variation 4715565 (VCV004715565.1).
Genomic context (GRCh38, chr16:68,815,581, plus strand): 5'-GATTTTGAGGCCAAGCAGCAGTACATTCTACACGTAGCAGTGACGAATGTGGTACCTTTT[G>T]AGGTCTCTCTCACCACCTCCACAGCCACCGTCACCGTGGATGTGCTGGATGTGAATGAAG-3'

ClinVar aggregate classification (germline): Pathogenic (1 of 4 stars; one submission).

Conditions:
Hereditary diffuse gastric adenocarcinoma (HDGC). Also called: DIFFUSE GASTRIC AND LOBULAR BREAST CANCER SYNDROME. Identifiers: Orphanet 26106, MedGen C1708349, MONDO:0007648, OMIM 137215.

Submission:

Labcorp Genetics (formerly Invitae), Labcorp
Classification: Pathogenic for Hereditary diffuse gastric adenocarcinoma. Last evaluated: 2025-03-20. Review status: criteria provided, single submitter. Criteria: Invitae Variant Classification Sherloc (09022015). Collection method: clinical testing. Allele origin: germline.
Comment: This sequence change creates a premature translational stop signal (p.Glu463*) in the CDH1 gene. It is expected to result in an absent or disrupted protein product. Loss-of-function variants in CDH1 are known to be pathogenic (PMID: 15235021, 20373070). This variant is not present in population databases (gnomAD no frequency). This variant has not been reported in the literature in individuals affected with CDH1-related conditions. Algorithms developed to predict the effect of sequence changes on RNA splicing suggest that this variant may disrupt the consensus splice site. For these reasons, this variant has been classified as Pathogenic.

Literature cited by the submitters: PubMed 15235021; PubMed 20373070.